The following is an entry in ClinVar:

NM_020919.4(ALS2):c.3099T>A (p.Ser1033Arg)

Gene: ALS2 (alsin Rho guanine nucleotide exchange factor ALS2; minus strand). Cytogenetic location: 2q33.1.
Variant type: single nucleotide variant.
Coding change: c.3099T>A on transcript NM_020919.4 (MANE Select); coding-DNA position 3099, T replaced by A.
Protein change: p.Ser1033Arg; replaces serine 1033 with arginine.
Molecular consequence: missense variant.
Genome position (GRCh38, 1-based): chr2:201,726,747, A>T on the plus strand (T>A on the coding strand, the complement: ALS2 is on the minus strand). VCF-style: chr2-201726747-A-T. GRCh37 (hg19) VCF-style: chr2-202591470-A-T.
Other names: short protein forms S1033R.
Identifiers: ClinVar variation 1702795 (VCV001702795.5), dbSNP rs778609581, ClinGen allele CA2057985.

ClinVar aggregate classification (germline): Uncertain significance. Review status: criteria provided, multiple submitters, no conflicts (2 of 4 stars). 2 submissions from 2 submitters: Uncertain significance (2). Last evaluated 2022-02-19.

Conditions:
Infantile-onset ascending hereditary spastic paralysis (IAHSP). Also called: Autosomal Recessive Juvenile Amyotrophic Lateral Sclerosis; Infantile-Onset Ascending Hereditary Spastic Paralysis (IAHSP). Identifiers: Orphanet 293168, MedGen C2931441, MONDO:0011797, OMIM 607225. Disease mechanism: loss of function.

Allele frequency attached by ClinVar (database versions not stated): gnomAD exomes 0.00001; ExAC 0.00002.
gnomAD v4.1: 9 of 1,614,182 alleles (0.00056%); highest among the groups gnomAD compares: Non-Finnish European, 0.00076%; no homozygotes.

Submissions (2):

Labcorp Genetics (formerly Invitae), Labcorp
Classification: Uncertain significance for Infantile-onset ascending hereditary spastic paralysis. Last evaluated: 2022-02-19. Review status: criteria provided, single submitter. Criteria: Invitae Variant Classification Sherloc (09022015). Collection method: clinical testing. Allele origin: germline.
Comment: In summary, the available evidence is currently insufficient to determine the role of this variant in disease. Therefore, it has been classified as a Variant of Uncertain Significance. Algorithms developed to predict the effect of missense changes on protein structure and function are either unavailable or do not agree on the potential impact of this missense change (SIFT: "Deleterious"; PolyPhen-2: "Benign"; Align-GVGD: "Class C15"). This variant has not been reported in the literature in individuals affected with ALS2-related conditions. This variant is present in population databases (rs778609581, gnomAD 0.002%). This sequence change replaces serine, which is neutral and polar, with arginine, which is basic and polar, at codon 1033 of the ALS2 protein (p.Ser1033Arg).

GeneDx
Classification: Uncertain significance. Last evaluated: 2022-02-17. Review status: criteria provided, single submitter. Criteria: GeneDx Variant Classification Process June 2021. Collection method: clinical testing. Allele origin: germline. Affected: yes.
Comment: Not observed at significant frequency in large population cohorts (gnomAD); In silico analysis supports that this missense variant does not alter protein structure/function; Has not been previously published as pathogenic or benign to our knowledge